The following is an entry in ClinVar:

NM_001081.4(CUBN):c.113A>G (p.Asn38Ser)

Gene: CUBN (cubilin; minus strand). Cytogenetic location: 10p13.
Variant type: single nucleotide variant.
Coding change: c.113A>G on transcript NM_001081.4 (MANE Select); coding-DNA position 113, A replaced by G.
Protein change: p.Asn38Ser; replaces asparagine 38 with serine.
Molecular consequence: missense variant.
Genome position (GRCh38, 1-based): chr10:17,129,653, T>C on the plus strand (A>G on the coding strand, the complement: CUBN is on the minus strand). VCF-style: chr10-17129653-T-C. GRCh37 (hg19) VCF-style: chr10-17171652-T-C.
Other names: short protein forms N38S.
Identifiers: ClinVar variation 971196 (VCV000971196.6), dbSNP rs776471095, ClinGen allele CA5425796.

ClinVar aggregate classification (germline): Uncertain significance. Review status: criteria provided, multiple submitters, no conflicts (2 of 4 stars). 2 submissions from 2 submitters: Uncertain significance (2). Last evaluated 2024-04-24.

Conditions:
Proteinuria, chronic benign. Identifiers: MedGen C5394384, MONDO:0030042, OMIM 618884.
Imerslund-Grasbeck syndrome type 1 (IGS1). Also called: Megaloblastic anemia 1, Finnish type; Imerslund-Gräsbeck syndrome 1; MEGALOBLASTIC ANEMIA, 1. Identifiers: MedGen C4016819, MONDO:0100156, OMIM 261100.
Imerslund-Grasbeck syndrome. Also called: Imerslund-Gräsbeck syndrome; ENTEROCYTE COBALAMIN MALABSORPTION; ENTEROCYTE INTRINSIC FACTOR RECEPTOR, DEFECT OF; PERNICIOUS ANEMIA, JUVENILE, DUE TO SELECTIVE INTESTINAL MALABSORPTION OF VITAMIN B12, WITH PROTEINURIA; Megaloblastic anemia due to inborn errors of metabolism. Identifiers: Orphanet 35858, MedGen C4551825, MONDO:0009853.

Allele frequency attached by ClinVar (database versions not stated): gnomAD exomes 0.00003 and 0.00004; TOPMed 0.00004; gnomAD 0.00005; ExAC 0.00007.
gnomAD v4.1: 48 of 1,614,020 alleles (0.003%); highest among the groups gnomAD compares: Non-Finnish European, 0.0037%; no homozygotes.

Submissions (2):

Labcorp Genetics (formerly Invitae), Labcorp
Classification: Uncertain significance for Imerslund-Grasbeck syndrome. Last evaluated: 2024-04-24. Review status: criteria provided, single submitter. Criteria: Invitae Variant Classification Sherloc (09022015). Collection method: clinical testing. Allele origin: germline.
Comment: This sequence change replaces asparagine, which is neutral and polar, with serine, which is neutral and polar, at codon 38 of the CUBN protein (p.Asn38Ser). This variant is present in population databases (rs776471095, gnomAD 0.009%). This variant has not been reported in the literature in individuals affected with CUBN-related conditions. ClinVar contains an entry for this variant (Variation ID: 971196). Advanced modeling of protein sequence and biophysical properties (such as structural, functional, and spatial information, amino acid conservation, physicochemical variation, residue mobility, and thermodynamic stability) performed at Invitae indicates that this missense variant is not expected to disrupt CUBN protein function with a negative predictive value of 80%. In summary, the available evidence is currently insufficient to determine the role of this variant in disease. Therefore, it has been classified as a Variant of Uncertain Significance.

Fulgent Genetics
Classification: Uncertain significance for Imerslund-Grasbeck syndrome type 1; Proteinuria, chronic benign. Last evaluated: 2024-03-02. Review status: criteria provided, single submitter. Criteria: ACMG Guidelines, 2015. Collection method: clinical testing. Allele origin: germline.